The following is an entry in ClinVar:

NM_003049.4(SLC10A1):c.122C>T (p.Ser41Leu)

Gene: SLC10A1 (solute carrier family 10 member 1; minus strand). Cytogenetic location: 14q24.1.
Variant type: single nucleotide variant.
Coding change: c.122C>T on transcript NM_003049.4 (MANE Select); coding-DNA position 122, C replaced by T.
Protein change: p.Ser41Leu; replaces serine 41 with leucine.
Molecular consequence: missense variant.
Genome position (GRCh38, 1-based): chr14:69,797,034, G>A on the plus strand (C>T on the coding strand, the complement: SLC10A1 is on the minus strand). VCF-style: chr14-69797034-G-A. GRCh37 (hg19) VCF-style: chr14-70263751-G-A.
Other names: c.122C>T (NM_003049.3); short protein forms S41L.
Identifiers: ClinVar variation 597217 (VCV000597217.7), dbSNP rs111885789, ClinGen allele CA7246278.

ClinVar aggregate classification (germline): Uncertain significance. Review status: criteria provided, multiple submitters, no conflicts (2 of 4 stars). 3 submissions from 3 submitters: Uncertain significance (3). Last evaluated 2025-12-23.

Conditions:
SLC10A1-related disorder. Also called: SLC10A1-related condition.
Hypercholanemia, familial, 2. Also called: NTCP deficiency. Identifiers: MedGen C5543243, MONDO:0031003, OMIM 619256. Disease mechanism: loss of function.

Allele frequency attached by ClinVar (database versions not stated): TOPMed 0.00018; ESP Exome Variant Server 0.00023; gnomAD 0.00026 and 0.00027; gnomAD exomes 0.00041 and 0.00042; ExAC 0.00055.
gnomAD v4.1: 641 of 1,614,080 alleles (0.04%); highest among the groups gnomAD compares: Non-Finnish European, 0.047%; no homozygotes.

Submissions (3):

PreventionGenetics, part of Exact Sciences
Classification: Uncertain significance for SLC10A1-related condition. Last evaluated: 2025-12-23. Review status: criteria provided, single submitter. Criteria: ACMG Guidelines, 2015. Collection method: clinical testing. Allele origin: germline.
Comment: The SLC10A1 c.122C>T variant is predicted to result in the amino acid substitution p.Ser41Leu. To our knowledge, this variant has not been reported in the literature. This variant is reported in 0.096% of alleles in individuals of European (Finnish) descent in gnomAD. Although we suspect that this variant may be benign, at this time, the clinical significance of this variant is uncertain due to the absence of conclusive functional and genetic evidence.

Fulgent Genetics
Classification: Uncertain significance for Hypercholanemia, familial, 2. Last evaluated: 2022-02-25. Review status: criteria provided, single submitter. Criteria: ACMG Guidelines, 2015. Collection method: clinical testing. Allele origin: unknown.

Eurofins Ntd Llc (ga)
Classification: Uncertain significance. Last evaluated: 2018-05-15. Review status: criteria provided, single submitter. Criteria: EGL ClinVar v180209 classification definitions. Collection method: clinical testing. Allele origin: germline. Observed: 1 variant allele, 1 heterozygote.